The following is an entry in ClinVar:

ClinVar aggregate classification (germline): Uncertain significance (1 of 4 stars; one submission).

Submission:

Labcorp Genetics (formerly Invitae), Labcorp
Classification: Uncertain significance. Last evaluated: 2023-04-10. Review status: criteria provided, single submitter. Criteria: Invitae Variant Classification Sherloc (09022015). Collection method: clinical testing. Allele origin: unknown.
Comment: In summary, the available evidence is currently insufficient to determine the role of this variant in disease. Therefore, it has been classified as a Variant of Uncertain Significance. Isolated whole-gene copy number gains of IHH have not been reported in the literature. However, larger copy number events that include this gene have been reported (PMID: 22234151). A copy number gain of the genomic region encompassing the full coding sequence of the IHH gene has been identified. The boundaries of this event are unknown as they extend beyond the assayed region for this gene and therefore may encompass additional genes. As the precise location of this event is unknown, it may be in tandem or it may be located elsewhere in the genome.

Literature cited by the submitters: PubMed 22234151.

NC_000002.11:g.(?_219646906)_(219942948_?)dup

Genes: CDK5R2 (cyclin dependent kinase 5 regulatory subunit 2; plus strand), CFAP65 (cilia and flagella associated protein 65; minus strand), CRYBA2 (crystallin beta A2; minus strand), CYP27A1 (cytochrome P450 family 27 subfamily A member 1; plus strand), FEV (FEV transcription factor, ETS family member; minus strand) and 6 more. Cytogenetic location: 2q35.
Variant type: Duplication.
Identifiers: ClinVar variation 3247494 (VCV003247494.1).